The following is an entry in ClinVar:

NM_019098.5(CNGB3):c.1179-6T>C

Gene: CNGB3 (cyclic nucleotide gated channel subunit beta 3; minus strand). Cytogenetic location: 8q21.3.
Variant type: single nucleotide variant.
Coding change: c.1179-6T>C on transcript NM_019098.5 (MANE Select); 6 bases into the intron before coding-DNA position 1179, T replaced by C.
Molecular consequence: intron variant.
Genome position (GRCh38, 1-based): chr8:86,632,899, A>G on the plus strand (T>C on the coding strand, the complement: CNGB3 is on the minus strand). VCF-style: chr8-86632899-A-G. GRCh37 (hg19) VCF-style: chr8-87645127-A-G.
Identifiers: ClinVar variation 729943 (VCV000729943.15), dbSNP rs114127590, ClinGen allele CA4800115.

ClinVar aggregate classification (germline): Benign/Likely benign. Review status: criteria provided, multiple submitters, no conflicts (2 of 4 stars). 4 submissions from 4 submitters: Benign (1); Likely benign (1). 2 of the submissions do not count toward it. Last evaluated 2026-01-28.

Conditions:
Achromatopsia. Also called: Rod monochromatism. Identifiers: Orphanet 49382, MedGen C0152200, MONDO:0018852, HP:0011516.
CNGB3-related disorder. Also called: CNGB3-related disorders; CNGB3-related condition. Identifiers: MedGen CN239340.

Allele frequency attached by ClinVar (database versions not stated): gnomAD exomes 0.00029 and 0.00085; ExAC 0.00103; gnomAD 0.00326 and 0.00352; ESP Exome Variant Server 0.00361; TOPMed 0.00368; 1000 Genomes Project 30x 0.00375; 1000 Genomes Project 0.00379.
gnomAD v4.1: 945 of 1,611,798 alleles (0.059%); highest among the groups gnomAD compares: African/African-American, 1.1%; 4 homozygotes.

Submissions (4):

Labcorp Genetics (formerly Invitae), Labcorp
Classification: Benign. Last evaluated: 2026-01-28. Review status: criteria provided, single submitter. Criteria: Invitae Variant Classification Sherloc (09022015). Collection method: clinical testing. Allele origin: germline.

Blueprint Genetics
Classification: Likely benign. Last evaluated: 2024-09-02. Review status: criteria provided, single submitter. Criteria: ACMG Guidelines, 2015. Collection method: clinical testing. Allele origin: germline.

PreventionGenetics, part of Exact Sciences
Classification: Benign for CNGB3-related condition. Last evaluated: 2019-10-25. Review status: no assertion criteria provided. Collection method: clinical testing. Allele origin: germline. Not counted in ClinVar's aggregate classification.
Comment: This variant is classified as benign based on ACMG/AMP sequence variant interpretation guidelines (Richards et al. 2015 PMID: 25741868, with internal and published modifications).

Natera, Inc.
Classification: Likely benign for Achromatopsia. Last evaluated: 2019-10-22. Review status: no assertion criteria provided. Collection method: clinical testing. Allele origin: germline. Not counted in ClinVar's aggregate classification.